The following is an entry in ClinVar:

NM_001003787.4(STRADA):c.946C>T (p.Arg316Cys)

Gene: STRADA (STE20 related adaptor alpha; minus strand). Cytogenetic location: 17q23.3.
Variant type: single nucleotide variant.
Coding change: c.946C>T on transcript NM_001003787.4 (MANE Select); coding-DNA position 946, C replaced by T.
Protein change: p.Arg316Cys; replaces arginine 316 with cysteine.
Molecular consequence: missense variant. On other transcripts: non-coding transcript variant (1).
Genome position (GRCh38, 1-based): chr17:63,704,495, G>A on the plus strand (C>T on the coding strand, the complement: STRADA is on the minus strand). VCF-style: chr17-63704495-G-A. GRCh37 (hg19) VCF-style: chr17-61781855-G-A.
Other names: c.835C>T, p.Arg279Cys (NM_001003786.3, NM_001363789.1, NM_153335.6); c.772C>T, p.Arg258Cys (NM_001003788.3, NM_001363790.1, NM_001363791.1); c.859C>T, p.Arg287Cys (NM_001165969.2, NM_001363787.1); c.814C>T, p.Arg272Cys (NM_001165970.2); c.922C>T, p.Arg308Cys (NM_001363786.1); c.946C>T, p.Arg316Cys (NM_001363788.1); short protein forms R279C, R316C, R272C, R308C, R258C, R287C.
Identifiers: ClinVar variation 864475 (VCV000864475.7), dbSNP rs1316550098, ClinGen allele CA400588097.

ClinVar aggregate classification (germline): Uncertain significance (1 of 4 stars; one submission).

Conditions:
Polyhydramnios, megalencephaly, and symptomatic epilepsy (PMSE). Also called: PMSE SYNDROME. Identifiers: Orphanet 500533, MedGen C1970203, MONDO:0012611, OMIM 611087.

Allele frequency attached by ClinVar (database versions not stated): gnomAD 0.00001; gnomAD exomes 0.00001; TOPMed 0.00002.

Submission:

Labcorp Genetics (formerly Invitae), Labcorp
Classification: Uncertain significance for Polyhydramnios, megalencephaly, and symptomatic epilepsy. Last evaluated: 2021-08-31. Review status: criteria provided, single submitter. Criteria: Invitae Variant Classification Sherloc (09022015). Collection method: clinical testing. Allele origin: germline.
Comment: This sequence change replaces arginine with cysteine at codon 316 of the STRADA protein (p.Arg316Cys). The arginine residue is moderately conserved and there is a large physicochemical difference between arginine and cysteine. This variant is not present in population databases (ExAC no frequency). This variant has not been reported in the literature in individuals affected with STRADA-related conditions. Algorithms developed to predict the effect of missense changes on protein structure and function are either unavailable or do not agree on the potential impact of this missense change (SIFT: "Deleterious"; PolyPhen-2: "Benign"; Align-GVGD: "Class C15"). In summary, the available evidence is currently insufficient to determine the role of this variant in disease. Therefore, it has been classified as a Variant of Uncertain Significance.